The following is an entry in ClinVar:

NM_030665.4(RAI1):c.5141A>G (p.Lys1714Arg)

Gene: RAI1 (retinoic acid induced 1; plus strand). Cytogenetic location: 17p11.2.
Variant type: single nucleotide variant.
Coding change: c.5141A>G on transcript NM_030665.4 (MANE Select); coding-DNA position 5141, A replaced by G.
Protein change: p.Lys1714Arg; replaces lysine 1714 with arginine.
Molecular consequence: missense variant.
Genome position (GRCh38, 1-based): chr17:17,798,089, A>G. VCF-style: chr17-17798089-A-G. GRCh37 (hg19) VCF-style: chr17-17701403-A-G.
Other names: c.5141A>G (NM_030665.3); short protein forms K1714R.
Identifiers: ClinVar variation 1439144 (VCV001439144.11), dbSNP rs369948107, ClinGen allele CA8419094.

ClinVar aggregate classification (germline): Conflicting classifications of pathogenicity. Review status: criteria provided, conflicting classifications (1 of 4 stars). 3 submissions from 3 submitters: Uncertain significance (1); Benign (1); Likely benign (1). Last evaluated 2026-05-26.

Conditions:
Inborn genetic diseases. Identifiers: MedGen C0950123, MeSH D030342.
RAI1-related disorder. Also called: RAI1-related condition.

Allele frequency attached by ClinVar (database versions not stated): gnomAD 0.00001; ExAC 0.00002; gnomAD exomes 0.00002; TOPMed 0.00002; ESP Exome Variant Server 0.00008.
gnomAD v4.1: 23 of 1,613,832 alleles (0.0014%); highest among the groups gnomAD compares: Admixed American, 0.0083%; no homozygotes.

Submissions (3):

PreventionGenetics, part of Exact Sciences
Classification: Uncertain significance for RAI1-related condition. Last evaluated: 2026-05-26. Review status: criteria provided, single submitter. Criteria: ACMG Guidelines, 2015. Collection method: clinical testing. Allele origin: germline.
Comment: The RAI1 c.5141A>G variant is predicted to result in the amino acid substitution p.Lys1714Arg. To our knowledge, this variant has not been reported in the literature. This variant is reported in 0.0087% of alleles in individuals of Latino descent in gnomAD. At this time, the clinical significance of this variant is uncertain due to the absence of conclusive functional and genetic evidence.

Labcorp Genetics (formerly Invitae), Labcorp
Classification: Benign. Last evaluated: 2025-10-07. Review status: criteria provided, single submitter. Criteria: Invitae Variant Classification Sherloc (09022015). Collection method: clinical testing. Allele origin: germline.

Ambry Genetics
Classification: Likely benign for Inborn genetic diseases. Last evaluated: 2022-09-22. Review status: criteria provided, single submitter. Criteria: Ambry Variant Classification Scheme 2023. Collection method: clinical testing. Allele origin: germline.